The following is an entry in ClinVar:

ClinVar aggregate classification (germline): Uncertain significance (0 of 4 stars; one submission).

Conditions:
SEMA3E-related disorder. Also called: SEMA3E-related condition.

Submission:

PreventionGenetics, part of Exact Sciences
Classification: Uncertain significance for SEMA3E-related condition. Last evaluated: 2024-07-08. Review status: no assertion criteria provided. Collection method: clinical testing. Allele origin: germline.
Comment: The SEMA3E c.1897G>A variant is predicted to result in the amino acid substitution p.Val633Ile. To our knowledge, this variant has not been reported in the literature. This variant is reported in 0.0029% of alleles in individuals of Latino descent in gnomAD. At this time, the clinical significance of this variant is uncertain due to the absence of conclusive functional and genetic evidence.

NM_012431.3(SEMA3E):c.1897G>A (p.Val633Ile)

Gene: SEMA3E (semaphorin 3E; minus strand). Cytogenetic location: 7q21.11.
Variant type: single nucleotide variant.
Coding change: c.1897G>A on transcript NM_012431.3 (MANE Select); coding-DNA position 1897, G replaced by A.
Protein change: p.Val633Ile; replaces valine 633 with isoleucine.
Molecular consequence: missense variant.
Genome position (GRCh38, 1-based): chr7:83,368,017, C>T on the plus strand (G>A on the coding strand, the complement: SEMA3E is on the minus strand). VCF-style: chr7-83368017-C-T. GRCh37 (hg19) VCF-style: chr7-82997333-C-T.
Other names: c.1717G>A, p.Val573Ile (NM_001178129.2); short protein forms V573I, V633I.
Identifiers: ClinVar variation 3354949 (VCV003354949.1).